The following is an entry in ClinVar:

ClinVar aggregate classification (germline): Likely benign. Review status: criteria provided, multiple submitters, no conflicts (2 of 4 stars). 5 submissions from 5 submitters: Likely benign (5). Last evaluated 2026-01-31.

Conditions:
ANKRD1-related disorder. Also called: ANKRD1-related condition.
Cardiovascular phenotype. Identifiers: MedGen CN230736.
ANKRD1-related dilated cardiomyopathy. Identifiers: MedGen CN119551.

Allele frequency attached by ClinVar (database versions not stated): gnomAD exomes 0.00002 and 0.00006; ExAC 0.00007; ESP Exome Variant Server 0.00008; gnomAD 0.00016 and 0.00018; TOPMed 0.00020.
gnomAD v4.1: 57 of 1,611,108 alleles (0.0035%); highest among the groups gnomAD compares: African/African-American, 0.062%; no homozygotes.

Submissions (5):

Labcorp Genetics (formerly Invitae), Labcorp
Classification: Likely benign for ANKRD1-related dilated cardiomyopathy. Last evaluated: 2026-01-31. Review status: criteria provided, single submitter. Criteria: Invitae Variant Classification Sherloc (09022015). Collection method: clinical testing. Allele origin: germline.

PreventionGenetics, part of Exact Sciences
Classification: Likely benign for ANKRD1-related condition. Last evaluated: 2025-04-28. Review status: criteria provided, single submitter. Criteria: ACMG Guidelines, 2015. Collection method: clinical testing. Allele origin: germline.
Comment: This variant is classified as likely benign based on ACMG/AMP sequence variant interpretation guidelines (Richards et al. 2015 PMID: 25741868, with internal and published modifications).

Ambry Genetics
Classification: Likely benign for Cardiovascular phenotype. Last evaluated: 2019-03-19. Review status: criteria provided, single submitter. Criteria: Ambry Variant Classification Scheme 2023. Collection method: clinical testing. Allele origin: germline.

GeneDx
Classification: Likely benign. Last evaluated: 2019-01-03. Review status: criteria provided, single submitter. Criteria: GeneDx Variant Classification Process June 2021. Collection method: clinical testing. Allele origin: germline. Affected: yes.

Laboratory for Molecular Medicine, Mass General Brigham Personalized Medicine
Classification: Likely benign. Last evaluated: 2015-06-25. Review status: criteria provided, single submitter. Criteria: LMM Criteria. Collection method: clinical testing. Allele origin: germline. Observed: 1 variant allele.
Comment: p.Asp147Asp in exon 4 of ANKRD1: This variant is not expected to have clinical s ignificance because it does not alter an amino acid residue and is not located w ithin the splice consensus sequence. It has been identified in 4/10344 African c hromosomes by the Exome Aggregation Consortium (ExAC .org; dbSNP rs145827106).

NM_014391.3(ANKRD1):c.441T>C (p.Asp147=)

Gene: ANKRD1 (ankyrin repeat domain 1; minus strand). Cytogenetic location: 10q23.31.
Variant type: single nucleotide variant.
Coding change: c.441T>C on transcript NM_014391.3 (MANE Select); coding-DNA position 441, T replaced by C.
Protein change: p.Asp147=; no amino-acid change (aspartic acid 147 retained).
Molecular consequence: synonymous variant.
Genome position (GRCh38, 1-based): chr10:90,918,877, A>G on the plus strand (T>C on the coding strand, the complement: ANKRD1 is on the minus strand). VCF-style: chr10-90918877-A-G. GRCh37 (hg19) VCF-style: chr10-92678634-A-G.
Identifiers: ClinVar variation 227177 (VCV000227177.19), dbSNP rs145827106, ClinGen allele CA5598741.